The following is an entry in ClinVar:

ClinVar aggregate classification (germline): Uncertain significance (1 of 4 stars; one submission).

Conditions:
Severe combined immunodeficiency, autosomal recessive, T cell-negative, B cell-negative, NK cell-positive. Also called: SCID, T CELL-NEGATIVE, B CELL-NEGATIVE, NK CELL-POSITIVE; SCID, AR, T-cell negative, B-cell negative, NK cell-positive; Severe combined immunodeficiency due to complete RAG1/2 deficiency. Identifiers: Orphanet 331206, MedGen C1832322, MONDO:0011086, OMIM 601457.
Combined immunodeficiency with skin granulomas. Identifiers: Orphanet 157949, MedGen C2673536, MONDO:0009306, OMIM 233650.

Allele frequency attached by ClinVar (database versions not stated): gnomAD exomes below 0.00001.
gnomAD v4.1: 4 of 1,614,230 alleles (0.00025%); highest among the groups gnomAD compares: Non-Finnish European, 0.00034%; no homozygotes.

Submission:

Labcorp Genetics (formerly Invitae), Labcorp
Classification: Uncertain significance for Combined immunodeficiency with skin granulomas; Severe combined immunodeficiency, autosomal recessive, T cell-negative, B cell-negative, NK cell-positive. Last evaluated: 2021-08-27. Review status: criteria provided, single submitter. Criteria: Invitae Variant Classification Sherloc (09022015). Collection method: clinical testing. Allele origin: germline.
Comment: This sequence change replaces methionine with leucine at codon 302 of the RAG2 protein (p.Met302Leu). The methionine residue is moderately conserved and there is a small physicochemical difference between methionine and leucine. This variant is not present in population databases (ExAC no frequency). This variant has not been reported in the literature in individuals affected with RAG2-related conditions. Advanced modeling of protein sequence and biophysical properties (such as structural, functional, and spatial information, amino acid conservation, physicochemical variation, residue mobility, and thermodynamic stability) performed at Invitae indicates that this missense variant is not expected to disrupt RAG2 protein function. In summary, the available evidence is currently insufficient to determine the role of this variant in disease. Therefore, it has been classified as a Variant of Uncertain Significance.

NM_000536.4(RAG2):c.904A>T (p.Met302Leu)

Gene: RAG2 (recombination activating 2; minus strand). Cytogenetic location: 11p12.
Variant type: single nucleotide variant.
Coding change: c.904A>T on transcript NM_000536.4 (MANE Select); coding-DNA position 904, A replaced by T.
Protein change: p.Met302Leu; replaces methionine 302 with leucine.
Molecular consequence: missense variant.
Genome position (GRCh38, 1-based): chr11:36,593,265, T>A on the plus strand (A>T on the coding strand, the complement: RAG2 is on the minus strand). VCF-style: chr11-36593265-T-A. GRCh37 (hg19) VCF-style: chr11-36614815-T-A.
Other names: c.904A>T, p.Met302Leu (NM_001243785.2, NM_001243786.2); short protein forms M302L.
Identifiers: ClinVar variation 1010003 (VCV001010003.2), dbSNP rs1851071285, ClinGen allele CA380141848.